The following is an entry in ClinVar:

ClinVar aggregate classification (germline): Likely pathogenic (1 of 4 stars; one submission).

Conditions:
Neuroocular syndrome. Identifiers: MedGen C5551362, MONDO:0859193.

Submission:

Institute of Human Genetics, University of Leipzig Medical Center
Classification: Likely pathogenic for Neuroocular syndrome 1. Last evaluated: 2022-08-17. Review status: criteria provided, single submitter. Criteria: ACMG Guidelines, 2015. Collection method: clinical testing. Allele origin: unknown. Affected: yes.
Comment: _x000D_ Criteria applied: PVS1, PM2_SUP

NM_020719.3(PRR12):c.656_657del (p.Leu219fs)

Gene: PRR12 (proline rich 12; plus strand). Cytogenetic location: 19q13.33.
Variant type: Microsatellite.
Coding change: c.656_657del on transcript NM_020719.3 (MANE Select); coding-DNA positions 656 to 657, 2 bases deleted (TC; older notation c.656_657delTC).
Protein change: p.Leu219fs; shifts the reading frame from leucine 219.
Molecular consequence: frameshift variant.
Genome position (GRCh38, 1-based): chr19:49,594,991-49,594,992, TC deleted; deleting any 2 consecutive bases within chr19:49,594,989-49,594,992 gives the same sequence; the c. name uses the placement nearest the transcript's 3' end. VCF-style (leftmost placement, unchanged base first): chr19-49594988-GTC-G. GRCh37 (hg19) VCF-style: chr19-50098245-GTC-G.
Other names: short protein forms L219fs.
Identifiers: ClinVar variation 1707516 (VCV001707516.1), dbSNP rs2514269834, ClinGen allele CA2580614938.